The following is an entry in ClinVar:

ClinVar aggregate classification (germline): Uncertain significance (1 of 4 stars; one submission).

Submission:

Women's Health and Genetics/Laboratory Corporation of America, LabCorp
Classification: Uncertain significance. Last evaluated: 2024-11-04. Review status: criteria provided, single submitter. Criteria: LabCorp Variant Classification Summary - May 2015. Collection method: clinical testing. Allele origin: germline.
Comment: Variant summary: GALC c.1274T>A (p.Val425Glu) results in a non-conservative amino acid change located in the Glycosyl hydrolase family 59, central domain of the encoded protein sequence. Five of five in-silico tools predict a damaging effect of the variant on protein function. The variant was absent in 248500 control chromosomes. The available data on variant occurrences in the general population are insufficient to allow any conclusion about variant significance. c.1274T>A has been reported in the literature in at-least one individual affected with Krabbe Disease (example: Almeida_2022). These report(s) do not provide unequivocal conclusions about association of the variant with Krabbe Disease. To our knowledge, no experimental evidence demonstrating an impact on protein function has been reported. The following publication has been ascertained in the context of this evaluation (PMID: 35614200). No submitters have cited clinical-significance assessments for this variant to ClinVar. Based on the evidence outlined above, the variant was classified as uncertain significance.

Literature cited by the submitters: PubMed 35614200.

NM_000153.4(GALC):c.1274T>A (p.Val425Glu)

Gene: GALC (galactosylceramidase; minus strand). Cytogenetic location: 14q31.3.
Variant type: single nucleotide variant.
Coding change: c.1274T>A on transcript NM_000153.4 (MANE Select); coding-DNA position 1274, T replaced by A.
Protein change: p.Val425Glu; replaces valine 425 with glutamic acid.
Molecular consequence: missense variant. On other transcripts: non-coding transcript variant (1).
Genome position (GRCh38, 1-based): chr14:87,949,909, A>T on the plus strand (T>A on the coding strand, the complement: GALC is on the minus strand). VCF-style: chr14-87949909-A-T. GRCh37 (hg19) VCF-style: chr14-88416253-A-T.
Other names: c.1205T>A, p.Val402Glu (NM_001201401.2); c.1196T>A, p.Val399Glu (NM_001201402.2); c.1106T>A, p.Val369Glu (NM_001424071.1, NM_001424072.1, NM_001424073.1); c.926T>A, p.Val309Glu (NM_001424074.1, NM_001424075.1); c.641T>A, p.Val214Glu (NM_001424076.1, NM_001424077.1); short protein forms V214E, V309E, V369E, V399E, V402E, V425E.
Identifiers: ClinVar variation 3629856 (VCV003629856.1).